The following is an entry in ClinVar:

NM_002691.4(POLD1):c.650C>T (p.Pro217Leu)

Gene: POLD1 (DNA polymerase delta 1, catalytic subunit; plus strand). Cytogenetic location: 19q13.33.
Variant type: single nucleotide variant.
Coding change: c.650C>T on transcript NM_002691.4 (MANE Select); coding-DNA position 650, C replaced by T.
Protein change: p.Pro217Leu; replaces proline 217 with leucine.
Molecular consequence: missense variant. On other transcripts: non-coding transcript variant (1).
Genome position (GRCh38, 1-based): chr19:50,402,265, C>T. VCF-style: chr19-50402265-C-T. GRCh37 (hg19) VCF-style: chr19-50905522-C-T.
Other names: c.650C>T, p.Pro217Leu (NM_001256849.1, NM_001308632.1); c.650C>T (NM_002691.2); short protein forms P217L.
Identifiers: ClinVar variation 469375 (VCV000469375.15), dbSNP rs1408031137, ClinGen allele CA406974131.
Genomic context (GRCh38, chr19:50,402,265, plus strand): 5'-GCATGTTTGGGTACCACGGGCACGGCCCCTCCCCGTTCCTGCGCATCACCGTGGCGCTGC[C>T]GCGCCTCGTGGCCCCGGCCCGCCGTCTCCTGGAACAGGGCATCCGTGTGGCAGGCCTGGG-3'
Protein context (NP_002682.2, residues 207-227): SPFLRITVAL[Pro217Leu]RLVAPARRLL

ClinVar aggregate classification (germline): Uncertain significance. Review status: criteria provided, multiple submitters, no conflicts (2 of 4 stars). 4 submissions from 4 submitters: Uncertain significance (4). Last evaluated 2025-10-25.

Conditions:
Hereditary cancer-predisposing syndrome. Also called: Neoplastic Syndromes, Hereditary; Hereditary neoplastic syndrome; Tumor predisposition; Hereditary Cancer Syndrome. Identifiers: Orphanet 140162, MedGen C0027672, MeSH D009386, MONDO:0015356.
POLD1-related polyposis and colorectal cancer syndrome (CRCS10). Also called: Colorectal cancer 10; COLORECTAL CANCER, SUSCEPTIBILITY TO, ON CHROMOSOME 19q; Colorectal cancer, susceptibility to, 10. Identifiers: Orphanet 220460, MedGen C2675481, MONDO:0012953, OMIM 612591.

Allele frequency attached by ClinVar (database versions not stated): gnomAD 0.00001; gnomAD exomes 0.00001; TOPMed 0.00002.

Submissions (4):

Labcorp Genetics (formerly Invitae), Labcorp
Classification: Uncertain significance for POLD1-related polyposis and colorectal cancer syndrome. Last evaluated: 2025-10-25. Review status: criteria provided, single submitter. Criteria: Invitae Variant Classification Sherloc (09022015). Collection method: clinical testing. Allele origin: germline.
Comment: This sequence change replaces proline, which is neutral and non-polar, with leucine, which is neutral and non-polar, at codon 217 of the POLD1 protein (p.Pro217Leu). The frequency data for this variant in the population databases is considered unreliable, as metrics indicate poor data quality at this position in the gnomAD database. This variant has not been reported in the literature in individuals affected with POLD1-related conditions. ClinVar contains an entry for this variant (Variation ID: 469375). Invitae Evidence Modeling of protein sequence and biophysical properties (such as structural, functional, and spatial information, amino acid conservation, physicochemical variation, residue mobility, and thermodynamic stability) indicates that this missense variant is not expected to disrupt POLD1 protein function with a negative predictive value of 80%. In summary, the available evidence is currently insufficient to determine the role of this variant in disease. Therefore, it has been classified as a Variant of Uncertain Significance.

Ambry Genetics
Classification: Uncertain significance for Hereditary cancer-predisposing syndrome. Last evaluated: 2025-01-30. Review status: criteria provided, single submitter. Criteria: Ambry Variant Classification Scheme 2023. Collection method: clinical testing. Allele origin: germline.
Comment: The p.P217L variant (also known as c.650C>T), located in coding exon 5 of the POLD1 gene, results from a C to T substitution at nucleotide position 650. The proline at codon 217 is replaced by leucine, an amino acid with similar properties. This amino acid position is highly conserved in available vertebrate species. In addition, the in silico prediction for this alteration is inconclusive. Based on the available evidence, the clinical significance of this variant remains unclear.

Blueprint Genetics
Classification: Uncertain significance. Last evaluated: 2024-10-29. Review status: criteria provided, single submitter. Criteria: ACMG Guidelines, 2015. Collection method: clinical testing. Allele origin: germline.

GeneDx
Classification: Uncertain significance. Last evaluated: 2023-01-06. Review status: criteria provided, single submitter. Criteria: GeneDx Variant Classification Process June 2021. Collection method: clinical testing. Allele origin: germline. Affected: yes.
Comment: Not observed at significant frequency in large population cohorts (gnomAD); In silico analysis supports that this missense variant has a deleterious effect on protein structure/function; Has not been previously published as pathogenic or benign to our knowledge